The following is an entry in ClinVar:

ClinVar aggregate classification (germline): Uncertain significance (1 of 4 stars; one submission).

Conditions:
Cardiovascular phenotype. Identifiers: MedGen CN230736.

Submission:

Ambry Genetics
Classification: Uncertain significance for Cardiovascular phenotype. Last evaluated: 2024-08-23. Review status: criteria provided, single submitter. Criteria: Ambry Variant Classification Scheme 2023. Collection method: clinical testing. Allele origin: germline.
Comment: The p.A98V variant (also known as c.293C>T), located in coding exon 3 of the ACTN2 gene, results from a C to T substitution at nucleotide position 293. The alanine at codon 98 is replaced by valine, an amino acid with similar properties. This amino acid position is conserved. In addition, the in silico prediction for this alteration is inconclusive. Based on the available evidence, the clinical significance of this variant remains unclear.

NM_001103.4(ACTN2):c.293C>T (p.Ala98Val)

Gene: ACTN2 (actinin alpha 2; plus strand). Cytogenetic location: 1q43.
Variant type: single nucleotide variant.
Coding change: c.293C>T on transcript NM_001103.4 (MANE Select); coding-DNA position 293, C replaced by T.
Protein change: p.Ala98Val; replaces alanine 98 with valine.
Molecular consequence: missense variant. On other transcripts: non-coding transcript variant (1).
Genome position (GRCh38, 1-based): chr1:236,718,945, C>T. VCF-style: chr1-236718945-C-T. GRCh37 (hg19) VCF-style: chr1-236882245-C-T.
Other names: c.293C>T, p.Ala98Val (NM_001278343.2); short protein forms A98V.
Identifiers: ClinVar variation 3484164 (VCV003484164.1).